The following is an entry in ClinVar:

ClinVar aggregate classification (germline): Benign (1 of 4 stars; one submission).

Allele frequency attached by ClinVar (database versions not stated): 1000 Genomes Project 0.11462; 1000 Genomes Project 30x 0.11555; TOPMed 0.14236; gnomAD 0.15593 and 0.15975.
gnomAD v4.1: 21,626 of 139,308 alleles (16%); highest among the groups gnomAD compares: African/African-American, 24%; 1,653 homozygotes.

Submission:

GeneDx
Classification: Benign. Last evaluated: 2018-06-15. Review status: criteria provided, single submitter. Criteria: GeneDx Variant Classification (06012015). Collection method: clinical testing. Allele origin: germline. Affected: yes.
Comment: This variant is considered likely benign or benign based on one or more of the following criteria: it is a conservative change, it occurs at a poorly conserved position in the protein, it is predicted to be benign by multiple in silico algorithms, and/or has population frequency not consistent with disease.

NM_006440.5(TXNRD2):c.173-224A>G

Gene: TXNRD2 (thioredoxin reductase 2; minus strand). Cytogenetic location: 22q11.21.
Variant type: single nucleotide variant.
Coding change: c.173-224A>G on transcript NM_006440.5 (MANE Select); 224 bases into the intron before coding-DNA position 173, A replaced by G.
Molecular consequence: intron variant.
Genome position (GRCh38, 1-based): chr22:19,919,823, T>C on the plus strand (A>G on the coding strand, the complement: TXNRD2 is on the minus strand). VCF-style: chr22-19919823-T-C. GRCh37 (hg19) VCF-style: chr22-19907346-T-C.
Other names: c.170-224A>G (NM_001352300.2); c.-116-224A>G (NM_001352302.2); c.83-224A>G (NM_001352301.2); c.173-224A>G (NM_001282512.3); c.77-224A>G (NM_001352303.2).
Identifiers: ClinVar variation 678660 (VCV000678660.1), dbSNP rs17745433, ClinGen allele CA14934374.
Genomic context (GRCh38, chr22:19,919,823, plus strand): 5'-GCCTCTGCGCTCTGGCCTGCTGAGCTGCGCTGCCTGCTGGCTCTGCATTGAGTCTTCCAG[T>C]CTCTTTCTGGCACTGCCCACCCAGCTGCGCTGCCCACAGGCAGGAGCCCTCAGACCTCTC-3'